The following is an entry in ClinVar:

NM_001571.6(IRF3):c.84C>G (p.Asn28Lys)

Gene: IRF3 (interferon regulatory factor 3; minus strand). Cytogenetic location: 19q13.33.
Variant type: single nucleotide variant.
Coding change: c.84C>G on transcript NM_001571.6 (MANE Select); coding-DNA position 84, C replaced by G.
Protein change: p.Asn28Lys; replaces asparagine 28 with lysine.
Molecular consequence: missense variant. On other transcripts: non-coding transcript variant (1), intron variant (5).
Genome position (GRCh38, 1-based): chr19:49,664,755, G>C on the plus strand (C>G on the coding strand, the complement: IRF3 is on the minus strand). VCF-style: chr19-49664755-G-C. GRCh37 (hg19) VCF-style: chr19-50168012-G-C.
Other names: c.84C>G (NM_001197122.1); c.84C>G, p.Asn28Lys (NM_001197124.2, NM_001197122.2); c.-102+876C>G (NM_001197128.2, NM_001197126.2); c.-274+876C>G (NM_001197127.2, NM_001197125.2); c.-171-82C>G (NM_001197123.2); short protein forms N28K.
Identifiers: ClinVar variation 2637774 (VCV002637774.2), dbSNP rs2081577668, ClinGen allele CA406895324.

ClinVar aggregate classification (germline): Uncertain significance. Review status: criteria provided, multiple submitters, no conflicts (2 of 4 stars). 2 submissions from 2 submitters: Uncertain significance (2). Last evaluated 2025-08-23.

Submissions (2):

Ambry Genetics
Classification: Uncertain significance. Last evaluated: 2025-08-23. Review status: criteria provided, single submitter. Criteria: Ambry Variant Classification Scheme 2023. Collection method: clinical testing. Allele origin: germline.

Women's Health and Genetics/Laboratory Corporation of America, LabCorp
Classification: Uncertain significance. Last evaluated: 2023-10-17. Review status: criteria provided, single submitter. Criteria: LabCorp Variant Classification Summary - May 2015. Collection method: clinical testing. Allele origin: germline.
Comment: Variant summary: IRF3 c.84C>G (p.Asn28Lys) results in a non-conservative amino acid change located in the Interferon regulatory factor, DNA-binding domain (IPR001346) of the encoded protein sequence. Four of five in-silico tools predict a damaging effect of the variant on protein function. The variant was absent in 251080 control chromosomes. The available data on variant occurrences in the general population are insufficient to allow any conclusion about variant significance. To our knowledge, no occurrence of c.84C>G in individuals affected with Herpes Simplex Encephalitis, Susceptibility To, 7 and no experimental evidence demonstrating its impact on protein function have been reported. No submitters have cited clinical-significance assessments for this variant to ClinVar after 2014. Based on the evidence outlined above, the variant was classified as uncertain significance.